The following is an entry in ClinVar:

ClinVar aggregate classification (germline): Conflicting classifications of pathogenicity. Review status: criteria provided, conflicting classifications (1 of 4 stars). 4 submissions from 4 submitters: Uncertain significance (2); Likely benign (1). 1 of the submissions does not count toward it. Last evaluated 2025-08-12.

Conditions:
Inborn genetic diseases. Identifiers: MedGen C0950123, MeSH D030342.
Arrhythmogenic right ventricular cardiomyopathy (ARVD). Also called: Cardiomyopathy, ARVC; Arrhythmogenic right ventricular dysplasia; Arrhythmogenic cardiomyopathy; Arrhythmogenic Right Ventricular Cardiomyopathy (ARVC). Identifiers: Orphanet 247, MedGen C0349788, MeSH D019571, MONDO:0016587. Disease mechanism: loss of function. Inheritance: Various modes of inheritance.
Autosomal recessive limb-girdle muscular dystrophy type 2D (LGMDR3). Also called: ADHALINOPATHY, PRIMARY; DUCHENNE-LIKE AUTOSOMAL RECESSIVE MUSCULAR DYSTROPHY, TYPE 2; MUSCULAR DYSTROPHY, LIMB-GIRDLE, AUTOSOMAL RECESSIVE 3. Identifiers: Orphanet 62, MedGen C2936332, MONDO:0011968, OMIM 608099. Disease mechanism: Affects gamma-sarcoglycan and also disrupts the integrity of the entire sarcoglycan complex..

Allele frequency attached by ClinVar (database versions not stated): ExAC 0.00002; gnomAD exomes 0.00002; TOPMed 0.00002.

Submissions (4):

Ambry Genetics
Classification: Uncertain significance for Inborn genetic diseases. Last evaluated: 2025-08-12. Review status: criteria provided, single submitter. Criteria: Ambry Variant Classification Scheme 2023. Collection method: clinical testing. Allele origin: germline.

Labcorp Genetics (formerly Invitae), Labcorp
Classification: Uncertain significance for Autosomal recessive limb-girdle muscular dystrophy type 2D. Last evaluated: 2022-07-19. Review status: criteria provided, single submitter. Criteria: Invitae Variant Classification Sherloc (09022015). Collection method: clinical testing. Allele origin: germline.
Comment: This sequence change replaces aspartic acid, which is acidic and polar, with asparagine, which is neutral and polar, at codon 20 of the SGCA protein (p.Asp20Asn). This variant is present in population databases (rs759284746, gnomAD 0.01%). This variant has not been reported in the literature in individuals affected with SGCA-related conditions. ClinVar contains an entry for this variant (Variation ID: 471336). Advanced modeling of protein sequence and biophysical properties (such as structural, functional, and spatial information, amino acid conservation, physicochemical variation, residue mobility, and thermodynamic stability) performed at Invitae indicates that this missense variant is not expected to disrupt SGCA protein function. In summary, the available evidence is currently insufficient to determine the role of this variant in disease. Therefore, it has been classified as a Variant of Uncertain Significance.

Center for Advanced Laboratory Medicine, UC San Diego Health, University of California San Diego
Classification: Likely benign for Arrhythmogenic right ventricular cardiomyopathy. Last evaluated: 2017-08-16. Review status: criteria provided, single submitter. Criteria: ACMG Guidelines, 2015. Collection method: clinical testing. Allele origin: germline. Affected: yes. Observed: 1 variant allele.

Natera, Inc.
Classification: Uncertain significance for Limb-girdle muscular dystrophy type 2D. Last evaluated: 2019-11-11. Review status: no assertion criteria provided. Collection method: clinical testing. Allele origin: germline. Not counted in ClinVar's aggregate classification.

NM_000023.4(SGCA):c.58G>A (p.Asp20Asn)

Gene: SGCA (sarcoglycan alpha; plus strand). Cytogenetic location: 17q21.33.
Variant type: single nucleotide variant.
Coding change: c.58G>A on transcript NM_000023.4 (MANE Select); coding-DNA position 58, G replaced by A.
Protein change: p.Asp20Asn; replaces aspartic acid 20 with asparagine.
Molecular consequence: missense variant. On other transcripts: non-coding transcript variant (1).
Genome position (GRCh38, 1-based): chr17:50,167,388, G>A. VCF-style: chr17-50167388-G-A. GRCh37 (hg19) VCF-style: chr17-48244749-G-A.
Other names: c.58G>A, p.Asp20Asn (NM_001135697.3); short protein forms D20N.
Identifiers: ClinVar variation 471336 (VCV000471336.16), dbSNP rs759284746, ClinGen allele CA8643685.
Genomic context (GRCh38, chr17:50,167,388, plus strand): 5'-AGGCTGGCCTGTGTGTTTGGGACTTGTGGGGTCCCCACAGTTCTCCTGGCAGGGCTGGGG[G>A]ACACCGAGGCCCAGCAGACCACGCTACACCCACTTGTGGGCCGTGTCTTTGTGCACACCT-3'
Protein context (NP_000014.1, residues 10-30): LLVVLLAGLG[Asp20Asn]TEAQQTTLHP